The following is an entry in ClinVar:

ClinVar aggregate classification (germline): Likely pathogenic. Review status: criteria provided, multiple submitters, no conflicts (2 of 4 stars). 3 submissions from 3 submitters: Likely pathogenic (2). 1 of the submissions does not count toward it. Last evaluated 2024-04-10.

Conditions:
Glucocorticoid-remediable aldosteronism. Also called: Hyperaldosteronism, familial, type I; ACTH-DEPENDENT HYPERALDOSTERONISM SYNDROME; ALDOSTERONISM, SENSITIVE TO DEXAMETHASONE; FH I; GLUCOCORTICOID-SUPPRESSIBLE HYPERALDOSTERONISM. Identifiers: Orphanet 403, MedGen C3838731, MONDO:0007080, OMIM 103900.
Deficiency of steroid 11-beta-monooxygenase (CYP11B1). Also called: ADRENAL HYPERPLASIA, CONGENITAL, DUE TO STEROID 11-BETA-HYDROXYLASE DEFICIENCY; P450C11B1 DEFICIENCY; STEROID 11-BETA-HYDROXYLASE DEFICIENCY; 11-BETA-HYDROXYLASE DEFICIENCY; Congenital adrenal hyperplasia due to 11-beta-hydroxylase deficiency; ADRENAL HYPERPLASIA IV. Identifiers: Orphanet 90795, MedGen C0268292, MONDO:0008729, OMIM 202010. Disease mechanism: loss of function.
Congenital adrenal hyperplasia. Identifiers: Orphanet 418, MedGen C0001627, MONDO:0018479, HP:0008258.

Submissions (3):

Fulgent Genetics
Classification: Likely pathogenic for Glucocorticoid-remediable aldosteronism; Deficiency of steroid 11-beta-monooxygenase. Last evaluated: 2024-04-10. Review status: criteria provided, single submitter. Criteria: ACMG Guidelines, 2015. Collection method: clinical testing. Allele origin: germline.

Women's Health and Genetics/Laboratory Corporation of America, LabCorp
Classification: Likely pathogenic for Congenital adrenal hyperplasia. Last evaluated: 2024-04-05. Review status: criteria provided, single submitter. Criteria: LabCorp Variant Classification Summary - May 2015. Collection method: clinical testing. Allele origin: germline.
Comment: Variant summary: CYP11B1 c.595+16G>T alters a non-conserved nucleotide located at a position not widely known to affect splicing. Several computational tools predict a significant impact on normal splicing: Four predict the variant creates a cryptic 5' donor site. At least one publication reports experimental evidence that this variant affects mRNA splicing, resulting in use of this cryptic splice site and inclusion of 14 bp of intronic sequence. The variant was absent in 249214 control chromosomes (gnomAD). c.595+16G>T has been reported in the literature in an individual affected with Congenital Adrenal Hyperplasia (Hampf_2001). The following publications have been ascertained in the context of this evaluation (PMID: 15255373, 11549691, 12428205, 17172090). ClinVar contains an entry for this variant (Variation ID: 1183). Based on the evidence outlined above, the variant was classified as likely pathogenic.

OMIM
Classification: Pathogenic for ADRENAL HYPERPLASIA, CONGENITAL, DUE TO STEROID 11-BETA-HYDROXYLASE DEFICIENCY. Last evaluated: 2001-09-01. Review status: no assertion criteria provided. Collection method: literature only. Allele origin: germline. Not counted in ClinVar's aggregate classification.

Literature cited by the submitters: PubMed 15255373 (cited by Women's Health and Genetics/Laboratory Corporation of America, LabCorp); PubMed 11549691 (cited by Women's Health and Genetics/Laboratory Corporation of America, LabCorp and OMIM); PubMed 12428205 (cited by Women's Health and Genetics/Laboratory Corporation of America, LabCorp); PubMed 17172090 (cited by Women's Health and Genetics/Laboratory Corporation of America, LabCorp).

NM_000497.4(CYP11B1):c.595+16G>T

Genes: CYP11B1 (cytochrome P450 family 11 subfamily B member 1; minus strand), LOC106799833 (CYP11B1 recombination region; plus strand). Cytogenetic location: 8q24.3.
Variant type: single nucleotide variant.
Coding change: c.595+16G>T on transcript NM_000497.4 (MANE Select); 16 bases into the intron after coding-DNA position 595, G replaced by T.
Molecular consequence: intron variant.
Genome position (GRCh38, 1-based): chr8:142,877,007, C>A on the plus strand (G>T on the coding strand, the complement: CYP11B1 is on the minus strand). VCF-style: chr8-142877007-C-A. GRCh37 (hg19) VCF-style: chr8-143958423-C-A.
Other names: IVS3DS, G-T, +16; c.595+16G>T (NM_001026213.1).
Identifiers: ClinVar variation 1183 (VCV000001183.4), dbSNP rs1365173817, ClinGen allele CA913189133.